The following is an entry in ClinVar:

NM_000238.4(KCNH2):c.3355G>C (p.Glu1119Gln)

Gene: KCNH2 (potassium voltage-gated channel subfamily H member 2; minus strand). Cytogenetic location: 7q36.1.
Variant type: single nucleotide variant.
Coding change: c.3355G>C on transcript NM_000238.4 (MANE Select); coding-DNA position 3355, G replaced by C.
Protein change: p.Glu1119Gln; replaces glutamic acid 1119 with glutamine.
Molecular consequence: missense variant.
Genome position (GRCh38, 1-based): chr7:150,945,490, C>G on the plus strand (G>C on the coding strand, the complement: KCNH2 is on the minus strand). VCF-style: chr7-150945490-C-G. GRCh37 (hg19) VCF-style: chr7-150642578-C-G.
Other names: c.2335G>C, p.Glu779Gln (NM_172057.3); c.3355G>C (LRG_288t1, NM_000238.2); short protein forms E1119Q, E779Q.
Identifiers: ClinVar variation 67492 (VCV000067492.57), dbSNP rs199473033, ClinGen allele CA008253.

ClinVar aggregate classification (germline): Uncertain significance. Review status: criteria provided, multiple submitters, no conflicts (2 of 4 stars). 5 submissions from 5 submitters: Uncertain significance (4). 1 of the submissions does not count toward it. Last evaluated 2025-11-17.

Conditions:
Cardiac arrhythmia. Also called: Arrhythmia; Cardiac rhythm disease. Identifiers: MedGen C0003811, MONDO:0007263, HP:0011675.
Long QT syndrome (LQTS). Identifiers: MedGen C0023976, MeSH D008133, MONDO:0002442. Disease mechanism: loss of function. Inheritance: Various modes of inheritance.

Allele frequency attached by ClinVar (database versions not stated): gnomAD 0.00001; gnomAD exomes 0.00001; TOPMed 0.00001.
gnomAD v4.1: 8 of 1,559,152 alleles (0.00051%); highest among the groups gnomAD compares: Non-Finnish European, 0.00069%; no homozygotes.

Submissions (5):

Labcorp Genetics (formerly Invitae), Labcorp
Classification: Uncertain significance for Long QT syndrome. Last evaluated: 2025-11-17. Review status: criteria provided, single submitter. Criteria: Invitae Variant Classification Sherloc (09022015). Collection method: clinical testing. Allele origin: germline.
Comment: This sequence change replaces glutamic acid, which is acidic and polar, with glutamine, which is neutral and polar, at codon 1119 of the KCNH2 protein (p.Glu1119Gln). This variant is present in population databases (rs199473033, gnomAD 0.005%). This variant has not been reported in the literature in individuals affected with KCNH2-related conditions. ClinVar contains an entry for this variant (Variation ID: 67492). An algorithm developed to predict the effect of missense changes on protein structure and function (PolyPhen-2) suggests that this variant is likely to be disruptive. In summary, the available evidence is currently insufficient to determine the role of this variant in disease. Therefore, it has been classified as a Variant of Uncertain Significance.

GeneDx
Classification: Uncertain significance. Last evaluated: 2025-06-13. Review status: criteria provided, single submitter. Criteria: GeneDx Variant Classification Process June 2021. Collection method: clinical testing. Allele origin: germline. Affected: yes.
Comment: Not observed at significant frequency in large population cohorts (gnomAD); In silico analysis suggests that this missense variant does not alter protein structure/function; Reported in a healthy control in published literature (PMID: 19841300); This variant is associated with the following publications: (PMID: 22949429, 22581653, 19841300)

All of Us Research Program, National Institutes of Health
Classification: Uncertain significance for Long QT syndrome. Last evaluated: 2024-07-29. Review status: criteria provided, single submitter. Criteria: ACMG Guidelines, 2015. Collection method: clinical testing. Allele origin: germline. Inheritance: Autosomal dominant inheritance. Observed: 5 variant alleles, 5 heterozygotes.
Comment: This missense variant replaces glutamic acid with glutamine at codon 1119 of the KCNH2 protein. Computational prediction suggests that this variant may not impact protein structure and function (internally defined REVEL score threshold <= 0.5, PMID: 27666373). To our knowledge, functional studies have not been reported for this variant. This variant has not been reported in individuals affected with cardiovascular disorders in the literature. This variant has been identified in 2/163762 chromosomes in the general population by the Genome Aggregation Database (gnomAD). The available evidence is insufficient to determine the role of this variant in disease conclusively. Therefore, this variant is classified as a Variant of Uncertain Significance.

This study involves interpretation of variants in research participants for the purpose of population health screening. Participant phenotype was not available at the time of variant classification. Additional details can be found in publication PMID: 35346344, PMCID: PMC8962531

Color Diagnostics, LLC DBA Color Health
Classification: Uncertain significance for Cardiac arrhythmia. Last evaluated: 2024-07-17. Review status: criteria provided, single submitter. Criteria: ACMG Guidelines, 2015. Collection method: clinical testing. Allele origin: germline.
Comment: This missense variant replaces glutamic acid with glutamine at codon 1119 of the KCNH2 protein. Computational prediction suggests that this variant may not impact protein structure and function. To our knowledge, functional studies have not been reported for this variant. This variant has not been reported in individuals affected with cardiovascular disorders in the literature. This variant has been identified in 2/163762 chromosomes in the general population by the Genome Aggregation Database (gnomAD). The available evidence is insufficient to determine the role of this variant in disease conclusively. Therefore, this variant is classified as a Variant of Uncertain Significance.

Cardiovascular Biomedical Research Unit, Royal Brompton & Harefield NHS Foundation Trust
No classification provided. Review status: no classification provided. Collection method: literature only. Allele origin: germline. Not counted in ClinVar's aggregate classification.
Comment: This variant has been reported in the following publications (PMID:19841300).

Literature cited by the submitters: PubMed 19841300 (cited by Cardiovascular Biomedical Research Unit, Royal Brompton & Harefield NHS Foundation Trust); PubMed 22581653 (cited by Cardiovascular Biomedical Research Unit, Royal Brompton & Harefield NHS Foundation Trust).